The following is an entry in ClinVar:

ClinVar aggregate classification (germline): Uncertain significance. Review status: criteria provided, multiple submitters, no conflicts (2 of 4 stars). 2 submissions from 2 submitters: Uncertain significance (2). Last evaluated 2025-01-09.

Conditions:
Inborn genetic diseases. Identifiers: MedGen C0950123, MeSH D030342.

Allele frequency attached by ClinVar (database versions not stated): gnomAD exomes below 0.00001 and 0.00003; TOPMed below 0.00001.
gnomAD v4.1: 43 of 1,613,038 alleles (0.0027%); highest among the groups gnomAD compares: Non-Finnish European, 0.0036%; no homozygotes.

Submissions (2):

Ambry Genetics
Classification: Uncertain significance for Inborn genetic diseases. Last evaluated: 2025-01-09. Review status: criteria provided, single submitter. Criteria: Ambry Variant Classification Scheme 2023. Collection method: clinical testing. Allele origin: germline.

Labcorp Genetics (formerly Invitae), Labcorp
Classification: Uncertain significance. Last evaluated: 2021-12-02. Review status: criteria provided, single submitter. Criteria: Invitae Variant Classification Sherloc (09022015). Collection method: clinical testing. Allele origin: germline.
Comment: This sequence change replaces leucine, which is neutral and non-polar, with phenylalanine, which is neutral and non-polar, at codon 52 of the CAD protein (p.Leu52Phe). This variant is present in population databases (rs199915898, gnomAD 0.0009%). This variant has not been reported in the literature in individuals affected with CAD-related conditions. Algorithms developed to predict the effect of missense changes on protein structure and function are either unavailable or do not agree on the potential impact of this missense change (SIFT: "Deleterious"; PolyPhen-2: "Possibly Damaging"; Align-GVGD: "Class C0"). In summary, the available evidence is currently insufficient to determine the role of this variant in disease. Therefore, it has been classified as a Variant of Uncertain Significance.

NM_004341.5(CAD):c.154C>T (p.Leu52Phe)

Gene: CAD (carbamoyl-phosphate synthetase 2, aspartate transcarbamylase, and dihydroorotase; plus strand). Cytogenetic location: 2p23.3.
Variant type: single nucleotide variant.
Coding change: c.154C>T on transcript NM_004341.5 (MANE Select); coding-DNA position 154, C replaced by T.
Protein change: p.Leu52Phe; replaces leucine 52 with phenylalanine.
Molecular consequence: missense variant.
Genome position (GRCh38, 1-based): chr2:27,217,948, C>T. VCF-style: chr2-27217948-C-T. GRCh37 (hg19) VCF-style: chr2-27440816-C-T.
Other names: c.154C>T, p.Leu52Phe (NM_001306079.2); c.154C>T (NM_004341.3); short protein forms L52F.
Identifiers: ClinVar variation 1468072 (VCV001468072.4), dbSNP rs199915898, ClinGen allele CA44487571.